The following is an entry in ClinVar:

NM_001367624.2(ZNF469):c.7428C>T (p.Val2476=)

Gene: ZNF469 (zinc finger protein 469; plus strand). Cytogenetic location: 16q24.2.
Variant type: single nucleotide variant.
Coding change: c.7428C>T on transcript NM_001367624.2 (MANE Select); coding-DNA position 7428, C replaced by T.
Protein change: p.Val2476=; no amino-acid change (valine 2476 retained).
Molecular consequence: synonymous variant.
Genome position (GRCh38, 1-based): chr16:88,434,898, C>T. VCF-style: chr16-88434898-C-T. GRCh37 (hg19) VCF-style: chr16-88501306-C-T.
Identifiers: ClinVar variation 4689529 (VCV004689529.1).

ClinVar aggregate classification (germline): Likely benign (1 of 4 stars; one submission).

gnomAD v4.1: 1 of 1,550,360 alleles (0.000065%); highest among the groups gnomAD compares: East Asian, 0.0024%; no homozygotes.

Submission:

Women's Health and Genetics/Laboratory Corporation of America, LabCorp
Classification: Likely benign. Last evaluated: 2026-01-27. Review status: criteria provided, single submitter. Criteria: LabCorp Variant Classification Summary - May 2015. Collection method: clinical testing. Allele origin: germline.
Comment: Variant summary: ZNF469 c.7428C>T alters a non-conserved nucleotide resulting in a synonymous change. Consensus agreement among computation tools predict no significant impact on normal splicing. However, these predictions have yet to be confirmed by functional studies. The variant was absent in 148782 control chromosomes (gnomAD). The available data on variant occurrences in the general population are insufficient to allow any conclusion about variant significance. To our knowledge, no occurrence of c.7428C>T in individuals affected with ZNF469-related conditions and no experimental evidence demonstrating its impact on protein function have been reported. No submitters have cited clinical-significance assessments for this variant to ClinVar. Based on the evidence outlined above, the variant was classified as likely benign.